The following is an entry in ClinVar:

ClinVar aggregate classification (germline): Uncertain significance. Review status: criteria provided, multiple submitters, no conflicts (2 of 4 stars). 2 submissions from 2 submitters: Uncertain significance (2). Last evaluated 2026-02-05.

Conditions:
Hereditary cancer-predisposing syndrome. Also called: Hereditary Cancer Syndrome; Neoplastic Syndromes, Hereditary; Tumor predisposition; Hereditary neoplastic syndrome. Identifiers: Orphanet 140162, MedGen C0027672, MeSH D009386, MONDO:0015356.
Ataxia-telangiectasia syndrome (AT). Also called: LOUIS-BAR SYNDROME; Ataxia-telangiectasia, complementation group D; AT, COMPLEMENTATION GROUP C; ATAXIA-TELANGIECTASIA, COMPLEMENTATION GROUP A; ATAXIA-TELANGIECTASIA, FRESNO VARIANT; Ataxia-telangiectasia, complementation group E. Identifiers: Orphanet 100, MedGen C0004135, MONDO:0008840, OMIM 208900.

Allele frequency attached by ClinVar (database versions not stated): gnomAD exomes below 0.00001.
gnomAD v4.1: 1 of 1,614,014 alleles (0.000062%); highest among the groups gnomAD compares: East Asian, 0.0022%; no homozygotes.

Submissions (2):

Ambry Genetics
Classification: Uncertain significance for Hereditary cancer-predisposing syndrome. Last evaluated: 2026-02-05. Review status: criteria provided, single submitter. Criteria: Ambry Variant Classification Scheme 2023. Collection method: clinical testing. Allele origin: germline.
Comment: The c.1607+3A>G intronic variant results from an A to G substitution 3 nucleotides after coding exon 9 in the ATM gene. This nucleotide position is well conserved in available vertebrate species. In silico splice site analysis for this alteration is inconclusive, and direct evidence is insufficient at this time (Ambry internal data). Since supporting evidence is limited at this time, the clinical significance of this alteration remains unclear.

Labcorp Genetics (formerly Invitae), Labcorp
Classification: Uncertain significance for Ataxia-telangiectasia syndrome. Last evaluated: 2020-07-15. Review status: criteria provided, single submitter. Criteria: Invitae Variant Classification Sherloc (09022015). Collection method: clinical testing. Allele origin: germline.
Comment: In summary, the available evidence is currently insufficient to determine the role of this variant in disease. Therefore, it has been classified as a Variant of Uncertain Significance. Nucleotide substitutions within the consensus splice site are a relatively common cause of aberrant splicing (PMID: 17576681, 9536098). Algorithms developed to predict the effect of sequence changes on RNA splicing suggest that this variant is not likely to affect RNA splicing, but this prediction has not been confirmed by published transcriptional studies. This variant has not been reported in the literature in individuals with ATM-related conditions. This variant is not present in population databases (ExAC no frequency). This sequence change falls in intron 10 of the ATM gene. It does not directly change the encoded amino acid sequence of the ATM protein, but it affects a nucleotide within the consensus splice site of the intron.

Literature cited by the submitters: PubMed 17576681 (cited by Labcorp Genetics (formerly Invitae), Labcorp); PubMed 9536098 (cited by Labcorp Genetics (formerly Invitae), Labcorp).

NM_000051.4(ATM):c.1607+3A>G

Gene: ATM (ATM serine/threonine kinase; plus strand). Cytogenetic location: 11q22.3.
Variant type: single nucleotide variant.
Coding change: c.1607+3A>G on transcript NM_000051.4 (MANE Select); 3 bases into the intron after coding-DNA position 1607, A replaced by G.
Molecular consequence: intron variant.
Genome position (GRCh38, 1-based): chr11:108,251,075, A>G. VCF-style: chr11-108251075-A-G. GRCh37 (hg19) VCF-style: chr11-108121802-A-G.
Other names: c.1607+3A>G (NM_001351834.2, NM_000051.3).
Identifiers: ClinVar variation 1007724 (VCV001007724.9), dbSNP rs2080122454, ClinGen allele CA1998771027.